The following is an entry in ClinVar:

NM_003491.4(NAA10):c.253G>A (p.Gly85Ser)

Gene: NAA10 (N-alpha-acetyltransferase 10, NatA catalytic subunit; minus strand). Cytogenetic location: Xq28.
Variant type: single nucleotide variant.
Coding change: c.253G>A on transcript NM_003491.4 (MANE Select); coding-DNA position 253, G replaced by A.
Protein change: p.Gly85Ser; replaces glycine 85 with serine.
Molecular consequence: missense variant.
Genome position (GRCh38, 1-based): chrX:153,932,404, C>T on the plus strand (G>A on the coding strand, the complement: NAA10 is on the minus strand). VCF-style: chrX-153932404-C-T. GRCh37 (hg19) VCF-style: chrX-153197857-C-T.
Other names: c.253G>A, p.Gly85Ser (NM_001256119.2); c.235G>A, p.Gly79Ser (NM_001256120.2); short protein forms G79S, G85S.
Identifiers: ClinVar variation 1712856 (VCV001712856.2), dbSNP rs2521332339, ClinGen allele CA415159450.

ClinVar aggregate classification (germline): Uncertain significance (1 of 4 stars; one submission).

Allele frequency attached by ClinVar (database versions not stated): gnomAD exomes below 0.00001.
gnomAD v4.1: 1 of 1,211,724 alleles (0.000083%); highest among the groups gnomAD compares: Non-Finnish European, 0.00011%; no homozygotes.

Submission:

GeneDx
Classification: Uncertain significance. Last evaluated: 2022-04-26. Review status: criteria provided, single submitter. Criteria: GeneDx Variant Classification Process June 2021. Collection method: clinical testing. Allele origin: germline. Affected: yes.
Comment: Not observed at significant frequency in large population cohorts (gnomAD); In silico analysis supports that this missense variant has a deleterious effect on protein structure/function; Has not been previously published as pathogenic or benign to our knowledge